The following is an entry in ClinVar:

NM_000051.4(ATM):c.917C>T (p.Thr306Ile)

Gene: ATM (ATM serine/threonine kinase; plus strand). Cytogenetic location: 11q22.3.
Variant type: single nucleotide variant.
Coding change: c.917C>T on transcript NM_000051.4 (MANE Select); coding-DNA position 917, C replaced by T.
Protein change: p.Thr306Ile; replaces threonine 306 with isoleucine.
Molecular consequence: missense variant.
Genome position (GRCh38, 1-based): chr11:108,246,979, C>T. VCF-style: chr11-108246979-C-T. GRCh37 (hg19) VCF-style: chr11-108117706-C-T.
Other names: c.917C>T, p.Thr306Ile (NM_001351834.2); short protein forms T306I.
Identifiers: ClinVar variation 1369772 (VCV001369772.10), dbSNP rs1565374923, ClinGen allele CA382530551.

ClinVar aggregate classification (germline): Uncertain significance. Review status: criteria provided, multiple submitters, no conflicts (2 of 4 stars). 2 submissions from 2 submitters: Uncertain significance (2). Last evaluated 2021-07-25.

Conditions:
Ataxia-telangiectasia syndrome (AT). Also called: Cerebello-oculocutaneous telangiectasia; Immunodeficiency with ataxia telangiectasia; AT, COMPLEMENTATION GROUP C; Ataxia-telangiectasia, complementation group E; LOUIS-BAR SYNDROME; ATAXIA-TELANGIECTASIA, COMPLEMENTATION GROUP A. Identifiers: Orphanet 100, MedGen C0004135, MONDO:0008840, OMIM 208900.
Hereditary cancer-predisposing syndrome. Also called: Hereditary neoplastic syndrome; Hereditary Cancer Syndrome; Neoplastic Syndromes, Hereditary; Tumor predisposition. Identifiers: Orphanet 140162, MedGen C0027672, MeSH D009386, MONDO:0015356.

Submissions (2):

Labcorp Genetics (formerly Invitae), Labcorp
Classification: Uncertain significance for Ataxia-telangiectasia syndrome. Last evaluated: 2021-07-25. Review status: criteria provided, single submitter. Criteria: Invitae Variant Classification Sherloc (09022015). Collection method: clinical testing. Allele origin: germline.
Comment: In summary, the available evidence is currently insufficient to determine the role of this variant in disease. Therefore, it has been classified as a Variant of Uncertain Significance. Advanced modeling of protein sequence and biophysical properties (such as structural, functional, and spatial information, amino acid conservation, physicochemical variation, residue mobility, and thermodynamic stability) performed at Invitae indicates that this missense variant is not expected to disrupt ATM protein function. This variant has not been reported in the literature in individuals affected with ATM-related conditions. This variant is not present in population databases (ExAC no frequency). This sequence change replaces threonine with isoleucine at codon 306 of the ATM protein (p.Thr306Ile). The threonine residue is weakly conserved and there is a moderate physicochemical difference between threonine and isoleucine.

Ambry Genetics
Classification: Uncertain significance for Hereditary cancer-predisposing syndrome. Last evaluated: 2021-01-06. Review status: criteria provided, single submitter. Criteria: Ambry Variant Classification Scheme 2023. Collection method: clinical testing. Allele origin: germline.
Comment: The p.T306I variant (also known as c.917C>T), located in coding exon 7 of the ATM gene, results from a C to T substitution at nucleotide position 917. The threonine at codon 306 is replaced by isoleucine, an amino acid with similar properties. This amino acid position is not well conserved in available vertebrate species. In addition, this alteration is predicted to be tolerated by in silico analysis. Since supporting evidence is limited at this time, the clinical significance of this alteration remains unclear.